The following is an entry in ClinVar:

NM_000051.4(ATM):c.5987A>G (p.Glu1996Gly)

Genes: ATM (ATM serine/threonine kinase; plus strand), C11orf65 (chromosome 11 open reading frame 65; minus strand). Cytogenetic location: 11q22.3.
Variant type: single nucleotide variant.
Coding change: c.5987A>G on transcript NM_000051.4 (MANE Select); coding-DNA position 5987, A replaced by G.
Protein change: p.Glu1996Gly; replaces glutamic acid 1996 with glycine.
Molecular consequence: missense variant. On other transcripts: intron variant (2).
Genome position (GRCh38, 1-based): chr11:108,312,479, A>G. VCF-style: chr11-108312479-A-G. GRCh37 (hg19) VCF-style: chr11-108183206-A-G.
Other names: c.5987A>G, p.Glu1996Gly (NM_001351834.2); c.641-3408T>C (NM_001330368.2); c.*39-3408T>C (NM_001351110.2); short protein forms E1996G.
Identifiers: ClinVar variation 826094 (VCV000826094.9), dbSNP rs1264932751, ClinGen allele CA382548776.

ClinVar aggregate classification (germline): Uncertain significance. Review status: criteria provided, multiple submitters, no conflicts (2 of 4 stars). 3 submissions from 3 submitters: Uncertain significance (3). Last evaluated 2024-03-06.

Conditions:
Hereditary cancer-predisposing syndrome. Also called: Tumor predisposition; Neoplastic Syndromes, Hereditary; Hereditary Cancer Syndrome; Hereditary neoplastic syndrome. Identifiers: Orphanet 140162, MedGen C0027672, MeSH D009386, MONDO:0015356.

Allele frequency attached by ClinVar (database versions not stated): gnomAD exomes below 0.00001.
gnomAD v4.1: 3 of 1,575,078 alleles (0.00019%); highest among the groups gnomAD compares: South Asian, 0.0011%; no homozygotes.

Submissions (3):

Color Diagnostics, LLC DBA Color Health
Classification: Uncertain significance for Hereditary cancer-predisposing syndrome. Last evaluated: 2024-03-06. Review status: criteria provided, single submitter. Criteria: ACMG Guidelines, 2015. Collection method: clinical testing. Allele origin: germline.
Comment: This missense variant replaces glutamic acid with glycine at codon 1996 of the ATM protein. Computational prediction suggests that this variant may not impact protein structure and function (internally defined REVEL score threshold <= 0.5, PMID: 27666373). To our knowledge, functional studies have not been reported for this variant. This variant has not been reported in individuals affected with hereditary cancer in the literature. This variant has been identified in 1/250952 chromosomes in the general population by the Genome Aggregation Database (gnomAD). The available evidence is insufficient to determine the role of this variant in disease conclusively. Therefore, this variant is classified as a Variant of Uncertain Significance.

Ambry Genetics
Classification: Uncertain significance for Hereditary cancer-predisposing syndrome. Last evaluated: 2022-07-20. Review status: criteria provided, single submitter. Criteria: Ambry Variant Classification Scheme 2023. Collection method: clinical testing. Allele origin: germline.
Comment: The p.E1996G variant (also known as c.5987A>G), located in coding exon 39 of the ATM gene, results from an A to G substitution at nucleotide position 5987. The glutamic acid at codon 1996 is replaced by glycine, an amino acid with similar properties. This amino acid position is well conserved in available vertebrate species. In addition, this alteration is predicted to be tolerated by in silico analysis. Since supporting evidence is limited at this time, the clinical significance of this alteration remains unclear.

GeneDx
Classification: Uncertain significance. Last evaluated: 2019-10-01. Review status: criteria provided, single submitter. Criteria: GeneDx Variant Classification Process June 2021. Collection method: clinical testing. Allele origin: germline. Affected: yes.
Comment: Not observed at a significant frequency in large population cohorts (Lek 2016); In silico analysis, which includes protein predictors and evolutionary conservation, supports a deleterious effect; Has not been previously published as pathogenic or benign to our knowledge